The following is an entry in ClinVar:

ClinVar aggregate classification (germline): Benign. Review status: criteria provided, multiple submitters, no conflicts (2 of 4 stars). 3 submissions from 3 submitters: Benign (2). 1 of the submissions does not count toward it. Last evaluated 2018-04-05.

Conditions:
PTPRD-related disorder. Also called: PTPRD-related condition.

Allele frequency attached by ClinVar (database versions not stated): gnomAD exomes 0.00101; ExAC 0.00131; 1000 Genomes Project 0.00379; 1000 Genomes Project 30x 0.00406; ESP Exome Variant Server 0.00469; TOPMed 0.00485.
gnomAD v4.1: 1,325 of 1,614,200 alleles (0.082%); highest among the groups gnomAD compares: African/African-American, 1.6%; 10 homozygotes.

Submissions (3):

Labcorp Genetics (formerly Invitae), Labcorp
Classification: Benign. Last evaluated: 2018-04-05. Review status: criteria provided, single submitter. Criteria: Invitae Variant Classification Sherloc (09022015). Collection method: clinical testing. Allele origin: germline.

Breakthrough Genomics
Classification: Benign. Review status: criteria provided, single submitter. Criteria: ACMG Guidelines, 2015. Collection method: not provided. Allele origin: germline. Inheritance: Unknown mechanism. Affected: yes.

PreventionGenetics, part of Exact Sciences
Classification: Benign for PTPRD-related condition. Last evaluated: 2019-11-26. Review status: no assertion criteria provided. Collection method: clinical testing. Allele origin: germline. Not counted in ClinVar's aggregate classification.
Comment: This variant is classified as benign based on ACMG/AMP sequence variant interpretation guidelines (Richards et al. 2015 PMID: 25741868, with internal and published modifications).

NM_002839.4(PTPRD):c.2821C>G (p.Pro941Ala)

Genes: PTPRD (protein tyrosine phosphatase receptor type D; minus strand), LOC126860578 (MED14-independent group 3 enhancer GRCh37_chr9:8485393-8486592; plus strand). Cytogenetic location: 9p24.1.
Variant type: single nucleotide variant.
Coding change: c.2821C>G on transcript NM_002839.4 (MANE Select); coding-DNA position 2821, C replaced by G.
Protein change: p.Pro941Ala; replaces proline 941 with alanine.
Molecular consequence: missense variant. On other transcripts: intron variant (7).
Genome position (GRCh38, 1-based): chr9:8,485,996, G>C on the plus strand (C>G on the coding strand, the complement: PTPRD is on the minus strand). VCF-style: chr9-8485996-G-C. GRCh37 (hg19) VCF-style: chr9-8485996-G-C.
Other names: c.2821C>G, p.Pro941Ala (NM_001377958.1, NM_001378058.1); c.1793-672C>G (NM_001171025.2); c.1805-672C>G (NM_001377946.1); c.1814-669C>G (NM_001377947.1); c.1823-672C>G (NM_130391.4, NM_130392.3); c.1814-672C>G (NM_001040712.2); c.1805-669C>G (NM_130393.3); short protein forms P941A.
Identifiers: ClinVar variation 716918 (VCV000716918.6), dbSNP rs61733170, ClinGen allele CA4984003.